The following is an entry in ClinVar:

NM_006904.7(PRKDC):c.2591G>A (p.Gly864Glu)

Gene: PRKDC (protein kinase, DNA-activated, catalytic subunit; minus strand). Cytogenetic location: 8q11.21.
Variant type: single nucleotide variant.
Coding change: c.2591G>A on transcript NM_006904.7 (MANE Select); coding-DNA position 2591, G replaced by A.
Protein change: p.Gly864Glu; replaces glycine 864 with glutamic acid.
Molecular consequence: missense variant.
Genome position (GRCh38, 1-based): chr8:47,915,354, C>T on the plus strand (G>A on the coding strand, the complement: PRKDC is on the minus strand). VCF-style: chr8-47915354-C-T. GRCh37 (hg19) VCF-style: chr8-48827914-C-T.
Other names: c.2591G>A, p.Gly864Glu (NM_001081640.2); short protein forms G864E.
Identifiers: ClinVar variation 1793526 (VCV001793526.2), dbSNP rs2551877062, ClinGen allele CA371159822.
Genomic context (GRCh38, chr8:47,915,354, plus strand): 5'-TCTACAGAGGTTATTTATTTTAAAAGAAGTTTACCTGTCAGAAGATTTTTGTTTATTTGT[C>T]CTCCTAGAGATCCAAGCATTTGTACTACTCTAATTCTTATTTCTTCTAAGGATATTGCTT-3'
Protein context (NP_008835.5, residues 854-874): RVVQMLGSLG[Gly864Glu]QINKNLLTVT

ClinVar aggregate classification (germline): Uncertain significance (1 of 4 stars; one submission).

Submission:

Ambry Genetics
Classification: Uncertain significance. Last evaluated: 2022-05-26. Review status: criteria provided, single submitter. Criteria: Ambry Variant Classification Scheme 2023. Collection method: clinical testing. Allele origin: germline.
Comment: The p.G864E variant (also known as c.2591G>A), located in coding exon 23 of the PRKDC gene, results from a G to A substitution at nucleotide position 2591. The glycine at codon 864 is replaced by glutamic acid, an amino acid with similar properties. This amino acid position is conserved. In addition, this alteration is predicted to be deleterious by in silico analysis. Since supporting evidence is limited at this time, the clinical significance of this alteration remains unclear.